The following is an entry in ClinVar:

NM_015047.3(EMC1):c.496C>T (p.His166Tyr)

Gene: EMC1 (ER membrane protein complex subunit 1; minus strand). Cytogenetic location: 1p36.13.
Variant type: single nucleotide variant.
Coding change: c.496C>T on transcript NM_015047.3 (MANE Select); coding-DNA position 496, C replaced by T.
Protein change: p.His166Tyr; replaces histidine 166 with tyrosine.
Molecular consequence: missense variant.
Genome position (GRCh38, 1-based): chr1:19,242,358, G>A on the plus strand (C>T on the coding strand, the complement: EMC1 is on the minus strand). VCF-style: chr1-19242358-G-A. GRCh37 (hg19) VCF-style: chr1-19568852-G-A.
Other names: c.496C>T, p.His166Tyr (NM_001271427.2, NM_001271428.2, NM_001375820.1 and 1 more transcripts); c.430C>T, p.His144Tyr (NM_001271429.2); short protein forms H144Y, H166Y.
Identifiers: ClinVar variation 2758234 (VCV002758234.3), dbSNP rs777008369, ClinGen allele CA652896.
Genomic context (GRCh38, chr1:19,242,358, plus strand): 5'-TAGAGAGTAGAACGAGGCAGCTATTGCCTGTGAGCAGGCAGCCTTACCTTTCTGGGAGAT[G>A]TTCCACCCACTTGAGGTGCCCACTGGAGAGGTGATGGAGGGCAAGTGTAGTCTTCTTCAG-3'
Protein context (NP_055862.1, residues 156-176): LSSGHLKWVE[His166Tyr]LPESDSIHYQ

ClinVar aggregate classification (germline): Uncertain significance (1 of 4 stars; one submission).

Allele frequency attached by ClinVar (database versions not stated): gnomAD exomes below 0.00001; ExAC 0.00001.

Submission:

Labcorp Genetics (formerly Invitae), Labcorp
Classification: Uncertain significance. Last evaluated: 2023-09-05. Review status: criteria provided, single submitter. Criteria: Invitae Variant Classification Sherloc (09022015). Collection method: clinical testing. Allele origin: germline.
Comment: In summary, the available evidence is currently insufficient to determine the role of this variant in disease. Therefore, it has been classified as a Variant of Uncertain Significance. Advanced modeling of protein sequence and biophysical properties (such as structural, functional, and spatial information, amino acid conservation, physicochemical variation, residue mobility, and thermodynamic stability) performed at Invitae indicates that this missense variant is not expected to disrupt EMC1 protein function. This variant has not been reported in the literature in individuals affected with EMC1-related conditions. This variant is present in population databases (rs777008369, gnomAD 0.01%). This sequence change replaces histidine, which is basic and polar, with tyrosine, which is neutral and polar, at codon 166 of the EMC1 protein (p.His166Tyr).